The following is an entry in ClinVar:

ClinVar aggregate classification (germline): Benign/Likely benign. Review status: criteria provided, multiple submitters, no conflicts (2 of 4 stars). 3 submissions from 3 submitters: Benign (1); Likely benign (2). Last evaluated 2026-07-08.

Conditions:
Hereditary cancer-predisposing syndrome. Also called: Hereditary Cancer Syndrome; Hereditary neoplastic syndrome; Neoplastic Syndromes, Hereditary; Tumor predisposition. Identifiers: Orphanet 140162, MedGen C0027672, MeSH D009386, MONDO:0015356.
Rhabdoid tumor predisposition syndrome 2 (RTPS2). Identifiers: Orphanet 231108, Orphanet 69077, MedGen C2750074, MONDO:0013224, OMIM 613325.

Allele frequency attached by ClinVar (database versions not stated): gnomAD exomes below 0.00001.
gnomAD v4.1: 2 of 1,613,618 alleles (0.00012%); highest among the groups gnomAD compares: Admixed American, 0.0017%; no homozygotes.

Submissions (3):

Myriad Genetics, Inc.
Classification: Benign for Rhabdoid tumor predisposition syndrome 2. Last evaluated: 2026-07-08. Review status: criteria provided, single submitter. Criteria: Myriad Autosomal Dominant, Autosomal Recessive and X-Linked Classification Criteria (2023). Collection method: clinical testing. Allele origin: unknown.
Comment: This variant is considered benign. This variant is a silent/synonymous amino acid change and it is not expected to impact splicing.

Ambry Genetics
Classification: Likely benign for Hereditary cancer-predisposing syndrome. Last evaluated: 2023-12-21. Review status: criteria provided, single submitter. Criteria: Ambry Variant Classification Scheme 2023. Collection method: clinical testing. Allele origin: germline.

Labcorp Genetics (formerly Invitae), Labcorp
Classification: Likely benign for Rhabdoid tumor predisposition syndrome 2. Last evaluated: 2021-08-12. Review status: criteria provided, single submitter. Criteria: Invitae Variant Classification Sherloc (09022015). Collection method: clinical testing. Allele origin: germline.

NM_003072.5(SMARCA4):c.15C>T (p.Asp5=)

Gene: SMARCA4 (SWI/SNF related BAF chromatin remodeling complex subunit ATPase 4; plus strand). Cytogenetic location: 19p13.2.
Variant type: single nucleotide variant.
Coding change: c.15C>T on transcript NM_003072.5 (MANE Select); coding-DNA position 15, C replaced by T.
Protein change: p.Asp5=; no amino-acid change (aspartic acid 5 retained).
Molecular consequence: synonymous variant. On other transcripts: non-coding transcript variant (1).
Genome position (GRCh38, 1-based): chr19:10,984,166, C>T. VCF-style: chr19-10984166-C-T. GRCh37 (hg19) VCF-style: chr19-11094842-C-T.
Other names: c.15C>T, p.Asp5= (NM_001128844.3, NM_001128845.2, NM_001128846.2 and 5 more transcripts); c.15C>T (NM_001128849.1).
Identifiers: ClinVar variation 1111539 (VCV001111539.11), dbSNP rs1309825975, ClinGen allele CA505487020.
Genomic context (GRCh38, chr19:10,984,166, plus strand): 5'-AGGACTGTCTTCCAGCAGGAGGCCACTGTCTGCAGCTCCCGTGAAGATGTCCACTCCAGA[C>T]CCACCCCTGGGCGGAACTCCTCGGCCAGGTCCTTCCCCGGGCCCTGGCCCTTCCCCTGGA-3'
Protein context (NP_003063.2, residues 1-15): MSTP[Asp5=]PPLGGTPRPG